The following is an entry in ClinVar:

NM_001184.4(ATR):c.353T>G (p.Leu118Trp)

Gene: ATR (ATR checkpoint kinase; minus strand). Cytogenetic location: 3q23.
Variant type: single nucleotide variant.
Coding change: c.353T>G on transcript NM_001184.4 (MANE Select); coding-DNA position 353, T replaced by G.
Protein change: p.Leu118Trp; replaces leucine 118 with tryptophan.
Molecular consequence: missense variant.
Genome position (GRCh38, 1-based): chr3:142,563,049, A>C on the plus strand (T>G on the coding strand, the complement: ATR is on the minus strand). VCF-style: chr3-142563049-A-C. GRCh37 (hg19) VCF-style: chr3-142281891-A-C.
Other names: c.353T>G, p.Leu118Trp (NM_001354579.2); short protein forms L118W.
Identifiers: ClinVar variation 1732460 (VCV001732460.2), dbSNP rs2473430191, ClinGen allele CA354827330.

ClinVar aggregate classification (germline): Uncertain significance (1 of 4 stars; one submission).

Conditions:
Inborn genetic diseases. Identifiers: MedGen C0950123, MeSH D030342.

Submission:

Ambry Genetics
Classification: Uncertain significance for Inborn genetic diseases. Last evaluated: 2022-07-19. Review status: criteria provided, single submitter. Criteria: Ambry Variant Classification Scheme 2023. Collection method: clinical testing. Allele origin: germline.
Comment: The p.L118W variant (also known as c.353T>G), located in coding exon 4 of the ATR gene, results from a T to G substitution at nucleotide position 353. The leucine at codon 118 is replaced by tryptophan, an amino acid with similar properties. This amino acid position is conserved. In addition, this alteration is predicted to be tolerated by in silico analysis. Since supporting evidence is limited at this time, the clinical significance of this alteration remains unclear.